The following is an entry in ClinVar:

NM_025179.4(PLXNA2):c.588G>A (p.Pro196=)

Gene: PLXNA2 (plexin A2; minus strand). Cytogenetic location: 1q32.2.
Variant type: single nucleotide variant.
Coding change: c.588G>A on transcript NM_025179.4 (MANE Select); coding-DNA position 588, G replaced by A.
Protein change: p.Pro196=; no amino-acid change (proline 196 retained).
Molecular consequence: synonymous variant.
Genome position (GRCh38, 1-based): chr1:208,217,335, C>T on the plus strand (G>A on the coding strand, the complement: PLXNA2 is on the minus strand). VCF-style: chr1-208217335-C-T. GRCh37 (hg19) VCF-style: chr1-208390680-C-T.
Identifiers: ClinVar variation 4986342 (VCV004986342.1).

ClinVar aggregate classification (germline): Likely benign (1 of 4 stars; one submission).

Conditions:
PLXNA2-related disorder. Also called: PLXNA2-related condition.

gnomAD v4.1: 26 of 1,614,004 alleles (0.0016%); highest among the groups gnomAD compares: East Asian, 0.013%; no homozygotes.

Submission:

PreventionGenetics, part of Exact Sciences
Classification: Likely benign for PLXNA2-related condition. Last evaluated: 2024-12-05. Review status: criteria provided, single submitter. Criteria: ACMG Guidelines, 2015. Collection method: clinical testing. Allele origin: germline.
Comment: This variant is classified as likely benign based on ACMG/AMP sequence variant interpretation guidelines (Richards et al. 2015 PMID: 25741868, with internal and published modifications).